The following is an entry in ClinVar:

ClinVar aggregate classification (germline): Uncertain significance (1 of 4 stars; one submission).

Allele frequency attached by ClinVar (database versions not stated): gnomAD 0.00001; gnomAD exomes 0.00001 and 0.00002; TOPMed 0.00001; ExAC 0.00003; ESP Exome Variant Server 0.00008.
gnomAD v4.1: 11 of 1,600,288 alleles (0.00069%); highest among the groups gnomAD compares: East Asian, 0.0067%; no homozygotes.

Submission:

CeGaT Center for Human Genetics Tuebingen
Classification: Uncertain significance. Last evaluated: 2023-11-01. Review status: criteria provided, single submitter. Criteria: CeGaT Center For Human Genetics Tuebingen Variant Classification Criteria Version 2. Collection method: clinical testing. Allele origin: germline. Affected: yes. Observed: 4 variant alleles.
Comment: TECTA: PM2

NM_005422.4(TECTA):c.2272A>C (p.Lys758Gln)

Genes: TBCEL-TECTA (TBCEL-TECTA readthrough; plus strand), TECTA (tectorin alpha; plus strand). Cytogenetic location: 11q23.3.
Variant type: single nucleotide variant.
Coding change: c.2272A>C on transcript NM_005422.4 (MANE Select); coding-DNA position 2272, A replaced by C.
Protein change: p.Lys758Gln; replaces lysine 758 with glutamine.
Molecular consequence: missense variant.
Genome position (GRCh38, 1-based): chr11:121,128,249, A>C. VCF-style: chr11-121128249-A-C. GRCh37 (hg19) VCF-style: chr11-120998958-A-C.
Other names: c.3229A>C, p.Lys1077Gln (NM_001378761.1); short protein forms K758Q, K1077Q.
Identifiers: ClinVar variation 916397 (VCV000916397.40), dbSNP rs368853575, ClinGen allele CA6326945.